The following is an entry in ClinVar:

NM_153704.6(TMEM67):c.329A>G (p.Asp110Gly)

Gene: TMEM67 (transmembrane protein 67; plus strand). Cytogenetic location: 8q22.1.
Variant type: single nucleotide variant.
Coding change: c.329A>G on transcript NM_153704.6 (MANE Select); coding-DNA position 329, A replaced by G.
Protein change: p.Asp110Gly; replaces aspartic acid 110 with glycine.
Molecular consequence: missense variant. On other transcripts: 5 prime UTR variant (1), non-coding transcript variant (1).
Genome position (GRCh38, 1-based): chr8:93,758,499, A>G. VCF-style: chr8-93758499-A-G. GRCh37 (hg19) VCF-style: chr8-94770727-A-G.
Other names: c.-49A>G (NM_001142301.1); short protein forms D110G.
Identifiers: ClinVar variation 2431230 (VCV002431230.6), dbSNP rs1014876003, ClinGen allele CA371685766.

ClinVar aggregate classification (germline): Pathogenic/Likely pathogenic. Review status: criteria provided, multiple submitters, no conflicts (2 of 4 stars). 4 submissions from 4 submitters: Pathogenic (1); Likely pathogenic (3). Last evaluated 2024-01-31.

Conditions:
Joubert syndrome. Also called: Familial aplasia of the vermis; JOUBERT-BOLTSHAUSER SYNDROME. Identifiers: Orphanet 475, MedGen C5979921, MONDO:0018772.
Meckel-Gruber syndrome. Also called: Dysencephalia splachnocystica; DYSENCEPHALIA SPLANCHNOCYSTICA; GRUBER SYNDROME. Identifiers: Orphanet 564, MedGen C0265215, MONDO:0018921.
RHYNS syndrome. Also called: RETINITIS PIGMENTOSA SYNDROME; RETINITIS PIGMENTOSA, HYPOPITUITARISM, NEPHRONOPHTHISIS, AND MILD SKELETAL DYSPLASIA. Identifiers: Orphanet 140976, MedGen C1865794, MONDO:0011202, OMIM 602152.
Nephronophthisis 11 (NPHP11). Identifiers: Orphanet 84081, MedGen C3150796, MONDO:0013302, OMIM 613550.
Joubert syndrome 6 (JBTS6). Identifiers: Orphanet 475, MedGen C1853153, MONDO:0012539, OMIM 610688.
Bardet-Biedl syndrome 14 (BBS14). Identifiers: Orphanet 110, MedGen C2673874, MONDO:0014442, OMIM 615991.
Meckel syndrome, type 3 (MKS3). Also called: MECKEL-GRUBER SYNDROME, TYPE 3. Identifiers: Orphanet 564, MedGen C1846357, MONDO:0011821, OMIM 607361.
COACH syndrome 1. Identifiers: Orphanet 1454, MedGen C5435651, MONDO:0800103, OMIM 216360, MONDO:0008996.
TMEM67-related disorder. Also called: TMEM67-related disorders; TMEM67-related condition. Identifiers: MedGen CN239423.

gnomAD v4.1: 9 of 1,613,542 alleles (0.00056%); highest among the groups gnomAD compares: East Asian, 0.016%; no homozygotes.

Submissions (4):

Fulgent Genetics
Classification: Likely pathogenic for COACH syndrome 1; RHYNS syndrome; Meckel syndrome, type 3; Joubert syndrome 6; Nephronophthisis 11; Bardet-Biedl syndrome 14. Last evaluated: 2024-01-31. Review status: criteria provided, single submitter. Criteria: ACMG Guidelines, 2015. Collection method: clinical testing. Allele origin: germline.

Labcorp Genetics (formerly Invitae), Labcorp
Classification: Pathogenic for Joubert syndrome; Meckel-Gruber syndrome. Last evaluated: 2023-10-13. Review status: criteria provided, single submitter. Criteria: Invitae Variant Classification Sherloc (09022015). Collection method: clinical testing. Allele origin: germline.
Comment: This sequence change replaces aspartic acid, which is acidic and polar, with glycine, which is neutral and non-polar, at codon 110 of the TMEM67 protein (p.Asp110Gly). This variant is present in population databases (no rsID available, gnomAD no frequency). This missense change has been observed in individual(s) with Joubert syndrome (PMID: 23034536, 28431631). In at least one individual the data is consistent with being in trans (on the opposite chromosome) from a pathogenic variant. ClinVar contains an entry for this variant (Variation ID: 2431230). Advanced modeling of protein sequence and biophysical properties (such as structural, functional, and spatial information, amino acid conservation, physicochemical variation, residue mobility, and thermodynamic stability) performed at Invitae indicates that this missense variant is expected to disrupt TMEM67 protein function. For these reasons, this variant has been classified as Pathogenic.

Department of Maternal-Fetal Biology, National Research Institute for Child Health and Development
Classification: Likely pathogenic for Meckel syndrome, type 3. Last evaluated: 2022-01-01. Review status: criteria provided, single submitter. Criteria: ACMG Guidelines, 2015. Collection method: research. Allele origin: paternal. Affected: yes. Observed: 1 variant allele.

Rady Children's Institute for Genomic Medicine, Rady Children's Hospital San Diego
Classification: Likely pathogenic for TMEM67-related disorders. Review status: criteria provided, single submitter. Criteria: ACMG Guidelines, 2015. Collection method: clinical testing. Allele origin: germline.
Comment: This variant affects a highly conserved amino acid and is predicted by multiple in silico tools to have a deleterious effect on protein function. The c.329A>G (p.Asp110Gly) variant has been previously reported as a compound heterozygous change in patients with TMEM67-related disorders (PMID: 23034536, 35140360). The c.329A>G (p.Asp110Gly) variant is present in the heterozygous state in the gnomAD population database at a frequency of 0.000004% (1/251352), and is absent in the homozygous state, thus is presumed to be rare. Based on the available evidence, c.329A>G (p.Asp110Gly) is classified as Likely Pathogenic.

Literature cited by the submitters: PubMed 23034536 (cited by Labcorp Genetics (formerly Invitae), Labcorp); PubMed 28431631 (cited by Labcorp Genetics (formerly Invitae), Labcorp).